The following is an entry in ClinVar:

ClinVar aggregate classification (germline): Uncertain significance (1 of 4 stars; one submission).

Conditions:
ABCB11-related disorder. Also called: ABCB11-related condition.

gnomAD v4.1: 1 of 1,564,982 alleles (0.000064%); highest among the groups gnomAD compares: Non-Finnish European, 0.000087%; no homozygotes.

Submission:

PreventionGenetics, part of Exact Sciences
Classification: Uncertain significance for ABCB11-related condition. Last evaluated: 2025-08-19. Review status: criteria provided, single submitter. Criteria: ACMG Guidelines, 2015. Collection method: clinical testing. Allele origin: germline.
Comment: The ABCB11 c.3197C>T variant is predicted to result in the amino acid substitution p.Thr1066Ile. To our knowledge, this variant has not been reported in the literature. This variant is reported in 0.0014% of alleles in individuals of European (Non-Finnish) descent in gnomAD. At this time, the clinical significance of this variant is uncertain due to the absence of conclusive functional and genetic evidence.

NM_003742.4(ABCB11):c.3197C>T (p.Thr1066Ile)

Gene: ABCB11 (ATP binding cassette subfamily B member 11; minus strand). Cytogenetic location: 2q31.1.
Variant type: single nucleotide variant.
Coding change: c.3197C>T on transcript NM_003742.4 (MANE Select); coding-DNA position 3197, C replaced by T.
Protein change: p.Thr1066Ile; replaces threonine 1066 with isoleucine.
Molecular consequence: missense variant.
Genome position (GRCh38, 1-based): chr2:168,932,393, G>A on the plus strand (C>T on the coding strand, the complement: ABCB11 is on the minus strand). VCF-style: chr2-168932393-G-A. GRCh37 (hg19) VCF-style: chr2-169788903-G-A.
Other names: short protein forms T1066I.
Identifiers: ClinVar variation 4996066 (VCV004996066.1).
Genomic context (GRCh38, chr2:168,932,393, plus strand): 5'-TGAACTCATCCTTTTTTATGGCTGCATAGTATTCCAACACTTACCCATTTTTCACCTGCA[G>A]TATTGTATACACTGATTGGGGGTTGTCGGTCCAGCAGTTGAAAAAAGCGTGCAGCTGATA-3'
Protein context (NP_003733.2, residues 1056-1076): DRQPPISVYN[Thr1066Ile]AGEKWDNFQG